The following is an entry in ClinVar:

NM_032793.5(MFSD2A):c.714G>A (p.Thr238=)

Gene: MFSD2A (MFSD2 lysolipid transporter A, lysophospholipid; plus strand). Cytogenetic location: 1p34.2.
Variant type: single nucleotide variant.
Coding change: c.714G>A on transcript NM_032793.5 (MANE Select); coding-DNA position 714, G replaced by A.
Protein change: p.Thr238=; no amino-acid change (threonine 238 retained).
Molecular consequence: synonymous variant. On other transcripts: non-coding transcript variant (1).
Genome position (GRCh38, 1-based): chr1:39,966,014, G>A. VCF-style: chr1-39966014-G-A. GRCh37 (hg19) VCF-style: chr1-40431686-G-A.
Other names: c.753G>A, p.Thr251= (NM_001136493.3); c.246G>A, p.Thr82= (NM_001287808.2); c.603G>A, p.Thr201= (NM_001287809.2); c.708G>A, p.Thr236= (NM_001349821.2); c.714G>A, p.Thr238= (NM_001349822.2); c.369G>A, p.Thr123= (NM_001349823.2).
Identifiers: ClinVar variation 1478966 (VCV001478966.6), dbSNP rs745791004, ClinGen allele CA788740.

ClinVar aggregate classification (germline): Uncertain significance (1 of 4 stars; one submission).

Allele frequency attached by ClinVar (database versions not stated): ExAC 0.00001; gnomAD 0.00001; TOPMed 0.00001.

Submission:

Labcorp Genetics (formerly Invitae), Labcorp
Classification: Uncertain significance. Last evaluated: 2021-10-28. Review status: criteria provided, single submitter. Criteria: Invitae Variant Classification Sherloc (09022015). Collection method: clinical testing. Allele origin: germline.
Comment: In summary, the available evidence is currently insufficient to determine the role of this variant in disease. Therefore, it has been classified as a Variant of Uncertain Significance. Variants that disrupt the consensus splice site are a relatively common cause of aberrant splicing (PMID: 17576681, 9536098). Algorithms developed to predict the effect of sequence changes on RNA splicing suggest that this variant may disrupt the consensus splice site. This variant has not been reported in the literature in individuals affected with MFSD2A-related conditions. This variant is present in population databases (rs745791004, gnomAD 0.004%). This sequence change affects codon 251 of the MFSD2A mRNA. It is a 'silent' change, meaning that it does not change the encoded amino acid sequence of the MFSD2A protein. This variant also falls at the last nucleotide of exon 6, which is part of the consensus splice site for this exon.

Literature cited by the submitters: PubMed 17576681; PubMed 9536098.